The following is an entry in ClinVar:

NM_000132.4(F8):c.575T>C (p.Ile192Thr)

Gene: F8 (coagulation factor VIII; minus strand). Cytogenetic location: Xq28.
Variant type: single nucleotide variant.
Coding change: c.575T>C on transcript NM_000132.4 (MANE Select); coding-DNA position 575, T replaced by C.
Protein change: p.Ile192Thr; replaces isoleucine 192 with threonine.
Molecular consequence: missense variant.
Genome position (GRCh38, 1-based): chrX:154,992,962, A>G on the plus strand (T>C on the coding strand, the complement: F8 is on the minus strand). VCF-style: chrX-154992962-A-G. GRCh37 (hg19) VCF-style: chrX-154221237-A-G.
Other names: short protein forms I192T.
Identifiers: ClinVar variation 618637 (VCV000618637.15), dbSNP rs1448187077, ClinGen allele CA414919417.

ClinVar aggregate classification (germline): Pathogenic/Likely pathogenic. Review status: criteria provided, multiple submitters, no conflicts (2 of 4 stars). 5 submissions from 5 submitters: Pathogenic (4); Likely pathogenic (1). Last evaluated 2026-02-12.

Conditions:
Hereditary factor VIII deficiency disease (HEMA). Also called: Hemophilia A, congenital; HEM A; Factor 8 deficiency, congenital; Hemophilia A; AUTOSOMAL HEMOPHILIA A; HEMOPHILIA, CLASSIC. Identifiers: Orphanet 98878, MedGen C0019069, MONDO:0010602, OMIM 306700.

Allele frequency attached by ClinVar (database versions not stated): gnomAD exomes below 0.00001; TOPMed 0.00003.
gnomAD v4.1: 2 of 1,211,375 alleles (0.00017%); highest among the groups gnomAD compares: Non-Finnish European, 0.00022%; no homozygotes.

Submissions (5):

GeneDx
Classification: Likely pathogenic. Last evaluated: 2026-02-12. Review status: criteria provided, single submitter. Criteria: GeneDx Variant Classification Process June 2021. Collection method: clinical testing. Allele origin: germline.
Comment: Not observed at significant frequency in large population cohorts (gnomAD); In silico analysis supports that this missense variant has a deleterious effect on protein structure/function; This variant is associated with the following publications: (PMID: 26879396, 16972227, 29296726, 39033325, 33363863, 37647632, 35743412, 19473423)

Myriad Genetics, Inc.
Classification: Pathogenic for Hereditary factor VIII deficiency disease. Last evaluated: 2025-06-02. Review status: criteria provided, single submitter. Criteria: Myriad Autosomal Dominant, Autosomal Recessive and X-Linked Classification Criteria (2023). Collection method: clinical testing. Allele origin: unknown.
Comment: NM_000132.3(F8):c.575T>C(I192T) is a missense variant classified as pathogenic in the context of hemophilia A. I192T has been observed in cases with relevant disease (PMID: 16972227, 18691168, 29296726, 33363863,18217193). Relevant functional assessments of this variant are not available in the literature. I192T has not been observed in referenced population frequency databases. In summary, NM_000132.3(F8):c.575T>C(I192T) is a missense variant that has been observed more frequently in cases with the relevant disease than in healthy populations. Please note: this variant was assessed in the context of healthy population screening.

Mayo Clinic Laboratories, Mayo Clinic
Classification: Pathogenic. Last evaluated: 2025-01-07. Review status: criteria provided, single submitter. Criteria: ACMG Guidelines, 2015. Collection method: clinical testing. Allele origin: germline. Observed: 1 variant allele.
Comment: PP3_strong, PM1_supporting, PS4

Women's Health and Genetics/Laboratory Corporation of America, LabCorp
Classification: Pathogenic for Hereditary factor VIII deficiency disease. Last evaluated: 2024-06-26. Review status: criteria provided, single submitter. Criteria: LabCorp Variant Classification Summary - May 2015. Collection method: clinical testing. Allele origin: germline.
Comment: Variant summary: F8 c.575T>C (p.Ile192Thr) results in a non-conservative amino acid change located in the Multicopper oxidase-like, N-terminal domain (IPR011707) of the encoded protein sequence. Five of five in-silico tools predict a damaging effect of the variant on protein function. The variant was absent in 183353 control chromosomes (gnomAD). c.575T>C has been reported in the literature in multiple individuals affected with Factor VIII Deficiency (Hemophilia A; e.g. Bogdanova_2007, Green_2008, Santacroce_2008, Miller_2017, Johnsen_2017). These data indicate that the variant is very likely to be associated with disease. The following publications have been ascertained in the context of this evaluation (PMID: 16972227, 29296726, 18691168, 18217193, 22103590). ClinVar contains an entry for this variant (Variation ID: 618637). Based on the evidence outlined above, the variant was classified as pathogenic.

ARUP Laboratories, Molecular Genetics and Genomics, ARUP Laboratories
Classification: Pathogenic. Last evaluated: 2023-11-13. Review status: criteria provided, single submitter. Criteria: ARUP Molecular Germline Variant Investigation Process 2024. Collection method: clinical testing. Allele origin: germline.
Comment: The F8 c.575T>C; p.Ile192Thr variant, also known as p.Ile173Thr, is reported in the literature in several individuals with mild hemophilia A (Bogdanova 2007, Green 2008, F8 database and references therein). Functional assays of patient samples suggest clotting activity 18-33% of wildtype (F8 database and references therein). This variant is absent from the Genome Aggregation Database, indicating it is not a common polymorphism. The isoleucine at codon 192 is highly conserved, and computational analyses predict that this variant is deleterious (REVEL: 0.944). Additionally, other amino acid substitutions at this codon (p.Ile192Asn) and in nearby amino acids (p.Gly190Asp, p.Gly193Arg, p.Gly193Glu) have been reported in individuals with hemophilia A and are considered pathogenic (Lu 2018, F8 database and references therein). Based on available information, the p.Ile192Thr variant is considered pathogenic. References: F8 database: Bogdanova N et al. Spectrum of molecular defects and mutation detection rate in patients with mild and moderate hemophilia A. Hum Mutat. 2007 Jan;28(1):54-60. PMID: 16972227. Green PM et al. Haemophilia A mutations in the UK: results of screening one-third of the population. Br J Haematol. 2008 Oct;143(1):115-28. PMID: 18691168. Lu Y et al. Spectrum and origin of mutations in sporadic cases of haemophilia A in China. Haemophilia. 2018 Mar;24(2):291-298. PMID: 29381227.

Literature cited by the submitters: PubMed 16972227 (cited by 3 submitters); PubMed 18217193 (cited by 3 submitters); PubMed 18691168 (cited by 3 submitters); PubMed 29296726 (cited by 3 submitters); PubMed 33363863 (cited by Myriad Genetics, Inc. and Mayo Clinic Laboratories, Mayo Clinic); PubMed 26879396 (cited by Mayo Clinic Laboratories, Mayo Clinic); PubMed 27734074 (cited by Mayo Clinic Laboratories, Mayo Clinic); PubMed 32166871 (cited by Mayo Clinic Laboratories, Mayo Clinic); PubMed 35743412 (cited by Mayo Clinic Laboratories, Mayo Clinic); PubMed 22103590 (cited by Women's Health and Genetics/Laboratory Corporation of America, LabCorp).